The following is an entry in ClinVar:

NM_022915.5(MRPL44):c.345TCT[1] (p.Leu117del)

Gene: MRPL44 (mitochondrial ribosomal protein L44; plus strand). Cytogenetic location: 2q36.1.
Variant type: Microsatellite.
Coding change: c.345TCT[1] on transcript NM_022915.5 (MANE Select); one copy of the 3-base unit TCT starting at c.345; the reference has two copies in a row; one copy, 3 bases deleted.
Protein change: p.Leu117del; deletes leucine 117.
Molecular consequence: inframe deletion.
Genome position (GRCh38, 1-based): chr2:223,959,702-223,959,704, TCT deleted; deleting any 3 consecutive bases within chr2:223,959,698-223,959,704 gives the same sequence; the position shown is the placement nearest the transcript's 3' end. VCF-style (leftmost placement, unchanged base first): chr2-223959697-GTTC-G. GRCh37 (hg19) VCF-style: chr2-224824414-GTTC-G.
Other names: short protein forms L117del.
Identifiers: ClinVar variation 1412686 (VCV001412686.8), dbSNP rs773494966, ClinGen allele CA2139039.

ClinVar aggregate classification (germline): Uncertain significance (1 of 4 stars; one submission).

Submission:

Labcorp Genetics (formerly Invitae), Labcorp
Classification: Uncertain significance. Last evaluated: 2021-12-02. Review status: criteria provided, single submitter. Criteria: Invitae Variant Classification Sherloc (09022015). Collection method: clinical testing. Allele origin: germline.
Comment: This variant, c.348_350del, results in the deletion of 1 amino acid(s) of the MRPL44 protein (p.Leu117del), but otherwise preserves the integrity of the reading frame. This variant has not been reported in the literature in individuals affected with MRPL44-related conditions. This variant is present in population databases (rs773494966, gnomAD 0.01%). Experimental studies and prediction algorithms are not available or were not evaluated, and the functional significance of this variant is currently unknown. In summary, the available evidence is currently insufficient to determine the role of this variant in disease. Therefore, it has been classified as a Variant of Uncertain Significance.